The following is an entry in ClinVar:

NM_014314.4(RIGI):c.2681T>G (p.Val894Gly)

Gene: RIGI (RNA sensor RIG-I; minus strand). Cytogenetic location: 9p21.1.
Variant type: single nucleotide variant.
Coding change: c.2681T>G on transcript NM_014314.4 (MANE Select); coding-DNA position 2681, T replaced by G.
Protein change: p.Val894Gly; replaces valine 894 with glycine.
Molecular consequence: missense variant.
Genome position (GRCh38, 1-based): chr9:32,457,219, A>C on the plus strand (T>G on the coding strand, the complement: RIGI is on the minus strand). VCF-style: chr9-32457219-A-C. GRCh37 (hg19) VCF-style: chr9-32457217-A-C.
Other names: c.2675T>G, p.Val892Gly (NM_001385907.1); c.2510T>G, p.Val837Gly (NM_001385909.1); c.2240T>G, p.Val747Gly (NM_001385910.1); c.2072T>G, p.Val691Gly (NM_001385912.1); c.2666T>G, p.Val889Gly (NM_001385913.1); c.2237T>G, p.Val746Gly (NM_001385914.1); short protein forms V746G, V837G, V892G, V691G, V747G, V889G, V894G.
Identifiers: ClinVar variation 2619121 (VCV002619121.5), dbSNP rs368765122, ClinGen allele CA5019433.
Genomic context (GRCh38, chr9:32,457,219, plus strand): 5'-TCAAAATGAAAGTCCTTCCACTTCGAGTACAGTGTCTGAACTCCAGTTGCAATATCCTCC[A>C]CCACAAAACTTTCAATTTTTATAACTGGAATCTCAAATGTCTTGTACTTCACATGGATTC-3'
Protein context (NP_055129.2, residues 884-904): IPVIKIESFV[Val894Gly]EDIATGVQTL

ClinVar aggregate classification (germline): Uncertain significance. Review status: criteria provided, multiple submitters, no conflicts (2 of 4 stars). 2 submissions from 2 submitters: Uncertain significance (2). Last evaluated 2025-01-07.

Conditions:
Inborn genetic diseases. Identifiers: MedGen C0950123, MeSH D030342.

Allele frequency attached by ClinVar (database versions not stated): gnomAD exomes 0.00001; ExAC 0.00002; TOPMed 0.00002; gnomAD 0.00003; ESP Exome Variant Server 0.00008.
gnomAD v4.1: 17 of 1,613,868 alleles (0.0011%); highest among the groups gnomAD compares: Non-Finnish European, 0.0014%; no homozygotes.

Submissions (2):

Labcorp Genetics (formerly Invitae), Labcorp
Classification: Uncertain significance. Last evaluated: 2025-01-07. Review status: criteria provided, single submitter. Criteria: Invitae Variant Classification Sherloc (09022015). Collection method: clinical testing. Allele origin: germline.
Comment: This sequence change replaces valine, which is neutral and non-polar, with glycine, which is neutral and non-polar, at codon 894 of the DDX58 protein (p.Val894Gly). This variant is present in population databases (rs368765122, gnomAD 0.002%). This variant has not been reported in the literature in individuals affected with DDX58-related conditions. ClinVar contains an entry for this variant (Variation ID: 2619121). Invitae Evidence Modeling of protein sequence and biophysical properties (such as structural, functional, and spatial information, amino acid conservation, physicochemical variation, residue mobility, and thermodynamic stability) indicates that this missense variant is expected to disrupt DDX58 protein function with a positive predictive value of 80%. In summary, the available evidence is currently insufficient to determine the role of this variant in disease. Therefore, it has been classified as a Variant of Uncertain Significance.

Ambry Genetics
Classification: Uncertain significance for Inborn genetic diseases. Last evaluated: 2023-08-15. Review status: criteria provided, single submitter. Criteria: Ambry Variant Classification Scheme 2023. Collection method: clinical testing. Allele origin: germline.